The following is an entry in ClinVar:

ClinVar aggregate classification (germline): Uncertain significance (1 of 4 stars; one submission).

Conditions:
SEMA3G-related disorder. Also called: SEMA3G-related condition.

gnomAD v4.1: 56 of 1,302,712 alleles (0.0043%); highest among the groups gnomAD compares: East Asian, 0.0062%; no homozygotes.

Submission:

PreventionGenetics, part of Exact Sciences
Classification: Uncertain significance for SEMA3G-related condition. Last evaluated: 2026-01-28. Review status: criteria provided, single submitter. Criteria: ACMG Guidelines, 2015. Collection method: clinical testing. Allele origin: germline.
Comment: The SEMA3G c.100C>T variant is predicted to result in the amino acid substitution p.Arg34Trp. To our knowledge, this variant has not been reported in the literature or in a large population database, indicating this variant is rare. At this time, the clinical significance of this variant is uncertain due to the absence of conclusive functional and genetic evidence.

NM_020163.3(SEMA3G):c.100C>T (p.Arg34Trp)

Gene: SEMA3G (semaphorin 3G; minus strand). Cytogenetic location: 3p21.1.
Variant type: single nucleotide variant.
Coding change: c.100C>T on transcript NM_020163.3 (MANE Select); coding-DNA position 100, C replaced by T.
Protein change: p.Arg34Trp; replaces arginine 34 with tryptophan.
Molecular consequence: missense variant.
Genome position (GRCh38, 1-based): chr3:52,444,928, G>A on the plus strand (C>T on the coding strand, the complement: SEMA3G is on the minus strand). VCF-style: chr3-52444928-G-A. GRCh37 (hg19) VCF-style: chr3-52478944-G-A.
Other names: short protein forms R34W.
Identifiers: ClinVar variation 4982320 (VCV004982320.1).
Genomic context (GRCh38, chr3:52,444,928, plus strand): 5'-CAAACAGGGCACATGCACACAAACAGGGCACGCAGGGGCTGGTACCTCGGTAGGAGAGCC[G>A]CAGGCGGGGCACACTGGGGCCGGGGCTGGGGCCAGAGCTACCCCCATGGAGCAGGAGGCC-3'
Protein context (NP_064548.1, residues 24-44): PSPGPSVPRL[Arg34Trp]LSYRDLLSAN